The following is an entry in ClinVar:

ClinVar aggregate classification (germline): Uncertain significance. Review status: criteria provided, multiple submitters, no conflicts (2 of 4 stars). 2 submissions from 2 submitters: Uncertain significance (2). Last evaluated 2024-02-06.

Conditions:
DOCK2 deficiency. Also called: Immunodeficiency 40. Identifiers: Orphanet 447737, MedGen C4225328, MONDO:0014637, OMIM 616433.
Inborn genetic diseases. Identifiers: MedGen C0950123, MeSH D030342.

Allele frequency attached by ClinVar (database versions not stated): ExAC 0.00002.

Submissions (2):

Ambry Genetics
Classification: Uncertain significance for Inborn genetic diseases. Last evaluated: 2024-02-06. Review status: criteria provided, single submitter. Criteria: Ambry Variant Classification Scheme 2023. Collection method: clinical testing. Allele origin: germline.

Labcorp Genetics (formerly Invitae), Labcorp
Classification: Uncertain significance for DOCK2 deficiency. Last evaluated: 2021-06-17. Review status: criteria provided, single submitter. Criteria: Invitae Variant Classification Sherloc (09022015). Collection method: clinical testing. Allele origin: germline.
Comment: In summary, the available evidence is currently insufficient to determine the role of this variant in disease. Therefore, it has been classified as a Variant of Uncertain Significance. Algorithms developed to predict the effect of missense changes on protein structure and function output the following: SIFT: "Tolerated"; PolyPhen-2: "Benign"; Align-GVGD: "Class C0". The leucine amino acid residue is found in multiple mammalian species, suggesting that this missense change does not adversely affect protein function. These predictions have not been confirmed by published functional studies and their clinical significance is uncertain. This variant has not been reported in the literature in individuals with DOCK2-related conditions. This variant is present in population databases (rs768935540, ExAC 0.003%). This sequence change replaces methionine with leucine at codon 1376 of the DOCK2 protein (p.Met1376Leu). The methionine residue is weakly conserved and there is a small physicochemical difference between methionine and leucine.

NM_004946.3(DOCK2):c.4126A>T (p.Met1376Leu)

Gene: DOCK2 (dedicator of cytokinesis 2; plus strand). Cytogenetic location: 5q35.1.
Variant type: single nucleotide variant.
Coding change: c.4126A>T on transcript NM_004946.3 (MANE Select); coding-DNA position 4126, A replaced by T.
Protein change: p.Met1376Leu; replaces methionine 1376 with leucine.
Molecular consequence: missense variant. On other transcripts: non-coding transcript variant (1).
Genome position (GRCh38, 1-based): chr5:170,050,310, A>T. VCF-style: chr5-170050310-A-T. GRCh37 (hg19) VCF-style: chr5-169477314-A-T.
Other names: short protein forms M1376L.
Identifiers: ClinVar variation 854837 (VCV000854837.7), dbSNP rs768935540, ClinGen allele CA3554443.